The following is an entry in ClinVar:

ClinVar aggregate classification (germline): Conflicting classifications of pathogenicity. Review status: criteria provided, conflicting classifications (1 of 4 stars). 16 submissions from 16 submitters: Uncertain significance (6); Likely benign (7). 3 of the submissions do not count toward it. Last evaluated 2026-06-22.

Conditions:
BRCA1-related disorder. Also called: BRCA1-related condition.
Breast and/or ovarian cancer. Identifiers: MedGen CN221562.
Hereditary cancer-predisposing syndrome. Also called: Hereditary Cancer Syndrome; Hereditary neoplastic syndrome; Neoplastic Syndromes, Hereditary; Tumor predisposition. Identifiers: Orphanet 140162, MedGen C0027672, MeSH D009386, MONDO:0015356.
Breast-ovarian cancer, familial, susceptibility to, 1 (BROVCA1). Also called: BRCA1 Hereditary Breast and Ovarian Cancer; OVARIAN CANCER, SUSCEPTIBILITY TO. Identifiers: Orphanet 145, MedGen C2676676, MONDO:0011450, OMIM 604370. Disease mechanism: loss of function.
Malignant tumor of breast. Also called: Cancer breast; Malignant breast neoplasm. Identifiers: MedGen C0006142, MONDO:0007254. Disease mechanism: loss of function.
Hereditary breast ovarian cancer syndrome. Also called: BRCA1- and BRCA2-Associated Hereditary Breast and Ovarian Cancer; Hereditary breast and ovarian cancer syndrome; Hereditary breast and ovarian cancer syndrome (HBOC); Breast and ovarian cancer; Hereditary breast and/or ovarian cancer syndrome; Hereditary breast and ovarian cancer. Identifiers: Orphanet 145, MedGen C0677776, MeSH D061325, MONDO:0003582. Disease mechanism: loss of function.

Allele frequency attached by ClinVar (database versions not stated): gnomAD 0.00005 and below 0.00001; gnomAD exomes 0.00005 and 0.00006; TOPMed below 0.00001; ExAC 0.00007.
gnomAD v4.1: 75 of 1,613,850 alleles (0.0046%); highest among the groups gnomAD compares: South Asian, 0.079%; 1 homozygote.

Submissions 1 to 15 of 17:

PreventionGenetics, part of Exact Sciences
Classification: Likely benign for BRCA1-related condition. Last evaluated: 2026-06-22. Review status: criteria provided, single submitter. Criteria: ACMG Guidelines, 2015. Collection method: clinical testing. Allele origin: germline.
Comment: This variant is classified as likely benign based on ACMG/AMP sequence variant interpretation guidelines (Richards et al. 2015 PMID: 25741868, with internal and published modifications).

Labcorp Genetics (formerly Invitae), Labcorp
Classification: Likely benign for Hereditary breast ovarian cancer syndrome. Last evaluated: 2025-12-02. Review status: criteria provided, single submitter. Criteria: Invitae Variant Classification Sherloc (09022015). Collection method: clinical testing. Allele origin: germline.

Women's Health and Genetics/Laboratory Corporation of America, LabCorp
Classification: Likely benign. Last evaluated: 2024-09-04. Review status: criteria provided, single submitter. Criteria: LabCorp Variant Classification Summary - May 2015. Collection method: clinical testing. Allele origin: germline.
Comment: Variant summary: BRCA1 c.5306A>G (p.Tyr1769Cys) results in a non-conservative amino acid change located in the BRCT domain(IPR001357) of the encoded protein sequence. Four of five in-silico tools predict a benign effect of the variant on protein function. The variant allele was found at a frequency of 4.8e-05 in 1615312 control chromosomes, predominantly at a frequency of 0.00079 within the South Asian subpopulation in the gnomAD database, including 1 homozygote. This frequency is somewhat lower than estimated for a pathogenic variant in BRCA1 causing Hereditary Breast And Ovarian Cancer Syndrome (0.00079 vs 0.001). c.5306A>G has been reported in the literature in individuals affected with breast and/or ovarian cancer (e.g. Akbari_2011, Juwle_2012, So_2019, Kim_2020), however, it was also found in healthy controls (e.g. Juwle_2012, Bodian_2014). Co-occurrences with other pathogenic variants have been reported in the literature (BRCA2 c.2983G>T, p.Gly995X; Kim_2020) and in an internal sample (BRCA2 c.3455T>G, p.Leu1152X), providing supporting evidence for a benign role. At least two publications report experimental evidence evaluating an impact on protein function, with one classifying the effect of this variant on homology directed repair (HDR) as intermmediate (Finday_2018), and the other reporting that the variant resulted in 82% HDR activity versus WT BRCA1 (Guo_2023). The following publications have been ascertained in the context of this evaluation (PMID: 21965345, 24728327, 30209399, 37731132, 34981296, 22752604, 31907386, 34063308, 32812259, 30725392). ClinVar contains an entry for this variant (Variation ID: 55513). Based on the evidence outlined above, the variant was classified as likely benign.

GeneDx
Classification: Uncertain significance. Last evaluated: 2024-03-05. Review status: criteria provided, single submitter. Criteria: GeneDx Variant Classification Process June 2021. Collection method: clinical testing. Allele origin: germline. Affected: yes.
Comment: Observed in individuals with breast and/or ovarian cancer, but also in unaffected controls (PMID: 21965345, 22752604, 25186627, 30287823, 29470806, 31907386); In silico analysis supports that this missense variant does not alter protein structure/function; Also known as 5425A>G; This variant is associated with the following publications: (PMID: 24728327, 21965345, 24362935, 22752604, 30209399, 30287823, 29470806, 30725392, 31907386, 34063308, 32803532, 25186627, 32812259, 25348405, 34981296)

Quest Diagnostics Nichols Institute San Juan Capistrano
Classification: Likely benign. Last evaluated: 2023-08-31. Review status: criteria provided, single submitter. Criteria: Quest Diagnostics criteria. Collection method: clinical testing. Allele origin: unknown.

All of Us Research Program, National Institutes of Health
Classification: Likely benign for Breast-ovarian cancer, familial, susceptibility to, 1. Last evaluated: 2023-08-25. Review status: criteria provided, single submitter. Criteria: ACMG Guidelines, 2015. Collection method: clinical testing. Allele origin: germline. Inheritance: Autosomal dominant inheritance. Observed: 2 variant alleles, 2 heterozygotes.
Comment: This study involves interpretation of variants in research participants for the purpose of population health screening. Participant phenotype was not available at the time of variant classification. Additional details can be found in publication PMID: 35346344, PMCID: PMC8962531

CHEO Genetics Diagnostic Laboratory, Children's Hospital of Eastern Ontario
Classification: Uncertain significance for Breast and/or ovarian cancer. Last evaluated: 2022-11-23. Review status: criteria provided, single submitter. Criteria: ACMG Guidelines, 2015. Collection method: clinical testing. Allele origin: germline.

Mayo Clinic Laboratories, Mayo Clinic
Classification: Uncertain significance. Last evaluated: 2022-04-26. Review status: criteria provided, single submitter. Criteria: ACMG Guidelines, 2015. Collection method: clinical testing. Allele origin: germline. Observed: 1 variant allele.

Ambry Genetics
Classification: Likely benign for Hereditary cancer-predisposing syndrome. Last evaluated: 2021-12-09. Review status: criteria provided, single submitter. Criteria: Ambry Variant Classification Scheme 2023. Collection method: clinical testing. Allele origin: germline.

Institute for Clinical Genetics, University Hospital TU Dresden, University Hospital TU Dresden
Classification: Uncertain significance. Last evaluated: 2021-11-03. Review status: criteria provided, single submitter. Criteria: ACMG Guidelines, 2015. Collection method: clinical testing. Allele origin: germline.

Breast Center, Key Laboratory of Carcinogenesis and Translational Research
Classification: Uncertain significance for Hereditary breast and ovarian cancer syndrome. Last evaluated: 2020-05-01. Review status: criteria provided, single submitter. Criteria: ACMG Guidelines, 2015. Collection method: clinical testing. Allele origin: germline. Observed: 1 variant allele.

Color Diagnostics, LLC DBA Color Health
Classification: Likely benign for Hereditary cancer-predisposing syndrome. Last evaluated: 2016-08-29. Review status: criteria provided, single submitter. Criteria: ACMG Guidelines, 2015. Collection method: clinical testing. Allele origin: germline.

Neuberg Centre For Genomic Medicine, NCGM
Classification: Uncertain significance for Breast-ovarian cancer, familial, susceptibility to, 1. Review status: criteria provided, single submitter. Criteria: ACMG Guidelines, 2015. Collection method: clinical testing. Allele origin: germline. Inheritance: Autosomal dominant inheritance. Affected: yes.
Comment: The missense variant c.5306A>G (p.Tyr1769Cys) in BRCA1 gene has been reported in individuals affected with breast and/or ovarian cancer, as wells as in healthy control individuals(Juwle A et.al.,2012). This variant has been reported to the ClinVar database as Uncertain Significance. The p.Tyr1769Cys variant is novel (not in any individuals) in 1000 Genomes and allele frequency of 0.00005968% is reported in gnomAD. The amino acid Tyr at position 1769 is changed to a Cys changing protein sequence and it might alter its composition and physico-chemical properties. The amino acid change p.Tyr1769Cys in BRCA1 is predicted as conserved by GERP++ and PhyloP across 100 vertebrates. For these reasons, this variant has been classified as Uncertain Significance.

Counsyl
Classification: Uncertain significance for Breast-ovarian cancer, familial, susceptibility to, 1. Last evaluated: 2016-04-20. Review status: no assertion criteria provided. Collection method: clinical testing. Allele origin: unknown. Not counted in ClinVar's aggregate classification.

ITMI
No classification provided. Condition: AllHighlyPenetrant. Last evaluated: 2013-09-19. Review status: no classification provided. Collection method: reference population. Allele origin: germline. Not counted in ClinVar's aggregate classification.
Comment: Please see associated publication for description of ethnicities

NM_007294.4(BRCA1):c.5306A>G (p.Tyr1769Cys)

Gene: BRCA1 (BRCA1 DNA repair associated; minus strand). Cytogenetic location: 17q21.31.
Variant type: single nucleotide variant.
Coding change: c.5306A>G on transcript NM_007294.4 (MANE Select); coding-DNA position 5306, A replaced by G.
Protein change: p.Tyr1769Cys; replaces tyrosine 1769 with cysteine.
Molecular consequence: missense variant. On other transcripts: non-coding transcript variant (1).
Genome position (GRCh38, 1-based): chr17:43,051,089, T>C on the plus strand (A>G on the coding strand, the complement: BRCA1 is on the minus strand). VCF-style: chr17-43051089-T-C. GRCh37 (hg19) VCF-style: chr17-41203106-T-C.
Other names: c.5300A>G, p.Tyr1767Cys (NM_001407640.1, NM_001407641.1, NM_001407642.1 and 14 more transcripts); c.5297A>G, p.Tyr1766Cys (NM_001407644.1, NM_001407645.1); c.5225A>G, p.Tyr1742Cys (NM_001407656.1, NM_001407657.1, NM_001407658.1); c.5222A>G, p.Tyr1741Cys (NM_001407659.1, NM_001407660.1, NM_001407661.1 and 2 more transcripts); c.5183A>G, p.Tyr1728Cys (NM_001407664.1, NM_001407665.1, NM_001407937.1 and 5 more transcripts); c.5180A>G, p.Tyr1727Cys (NM_001407675.1, NM_001407676.1, NM_001407677.1 and 10 more transcripts); c.5177A>G, p.Tyr1726Cys (NM_001407681.1, NM_001407682.1, NM_001407683.1 and 6 more transcripts); c.5162A>G, p.Tyr1721Cys (NM_001407740.1, NM_001407741.1, NM_001407742.1 and 21 more transcripts); and 72 more; short protein forms Y1769C, Y1790C, Y1722C, Y665C, Y539C, Y553C, Y556C, Y577C.
Identifiers: ClinVar variation 55513 (VCV000055513.40), dbSNP rs397509257, ClinGen allele CA003458.